The following is an entry in ClinVar:

NM_001039591.3(USP9X):c.3245G>A (p.Gly1082Asp)

Gene: USP9X (ubiquitin specific peptidase 9 X-linked; plus strand). Cytogenetic location: Xp11.4.
Variant type: single nucleotide variant.
Coding change: c.3245G>A on transcript NM_001039591.3 (MANE Select); coding-DNA position 3245, G replaced by A.
Protein change: p.Gly1082Asp; replaces glycine 1082 with aspartic acid.
Molecular consequence: missense variant.
Genome position (GRCh38, 1-based): chrX:41,184,094, G>A. VCF-style: chrX-41184094-G-A. GRCh37 (hg19) VCF-style: chrX-41043347-G-A.
Other names: c.3245G>A, p.Gly1082Asp (NM_001039590.3); c.3260G>A, p.Gly1087Asp (NM_001410748.1, NM_001410749.1); short protein forms G1082D, G1087D.
Identifiers: ClinVar variation 2660326 (VCV002660326.24), dbSNP rs2519264679, ClinGen allele CA412764197.

ClinVar aggregate classification (germline): Uncertain significance (1 of 4 stars; one submission).

Submission:

CeGaT Center for Human Genetics Tuebingen
Classification: Uncertain significance. Last evaluated: 2023-05-01. Review status: criteria provided, single submitter. Criteria: CeGaT Center For Human Genetics Tuebingen Variant Classification Criteria Version 2. Collection method: clinical testing. Allele origin: germline. Affected: yes. Observed: 1 variant allele.
Comment: USP9X: PM2